The following is an entry in ClinVar:

ClinVar aggregate classification (germline): Uncertain significance (1 of 4 stars; one submission).

Conditions:
Hereditary cancer-predisposing syndrome. Also called: Neoplastic Syndromes, Hereditary; Tumor predisposition; Hereditary Cancer Syndrome; Hereditary neoplastic syndrome. Identifiers: Orphanet 140162, MedGen C0027672, MeSH D009386, MONDO:0015356.

Submission:

Ambry Genetics
Classification: Uncertain significance for Hereditary cancer-predisposing syndrome. Last evaluated: 2026-06-11. Review status: criteria provided, single submitter. Criteria: Ambry Variant Classification Scheme 2023. Collection method: clinical testing. Allele origin: germline.
Comment: The p.I697K variant (also known as c.2090T>A), located in coding exon 12 of the PMS2 gene, results from a T to A substitution at nucleotide position 2090. The isoleucine at codon 697 is replaced by lysine, an amino acid with dissimilar properties. This amino acid position is not well conserved in available vertebrate species. In addition, this alteration is predicted to be deleterious by in silico analysis. Based on the available evidence, the clinical significance of this variant remains unclear.

NM_000535.7(PMS2):c.2090T>A (p.Ile697Lys)

Gene: PMS2 (PMS1 homolog 2, mismatch repair system component; minus strand). Cytogenetic location: 7p22.1.
Variant type: single nucleotide variant.
Coding change: c.2090T>A on transcript NM_000535.7 (MANE Select); coding-DNA position 2090, T replaced by A.
Protein change: p.Ile697Lys; replaces isoleucine 697 with lysine.
Molecular consequence: missense variant. On other transcripts: non-coding transcript variant (1), intron variant (4).
Genome position (GRCh38, 1-based): chr7:5,982,908, A>T on the plus strand (T>A on the coding strand, the complement: PMS2 is on the minus strand). VCF-style: chr7-5982908-A-T. GRCh37 (hg19) VCF-style: chr7-6022539-A-T.
Other names: c.1685T>A, p.Ile562Lys (NM_001322003.2, NM_001322004.2, NM_001322005.2 and 14 more transcripts); c.1781T>A, p.Ile594Lys (NM_001406877.1, NM_001406878.1, NM_001406879.1 and 5 more transcripts); c.1772T>A, p.Ile591Lys (NM_001406883.1, NM_001406876.1, NM_001322007.2 and 1 more transcripts); c.1766T>A, p.Ile589Lys (NM_001406884.1); c.1754T>A, p.Ile585Lys (NM_001406885.1); c.2276T>A, p.Ile759Lys (NM_001406866.1); c.2114T>A, p.Ile705Lys (NM_001406868.1); c.1982T>A, p.Ile661Lys (NM_001406869.1); and 16 more; short protein forms I296K, I386K, I440K, I506K, I510K, I526K, I539K, I542K.
Identifiers: ClinVar variation 4862086 (VCV004862086.1).